The following is an entry in ClinVar:

NM_001164277.2(SLC37A4):c.1062C>A (p.Asn354Lys)

Gene: SLC37A4 (solute carrier family 37 member 4; minus strand). Cytogenetic location: 11q23.3.
Variant type: single nucleotide variant.
Coding change: c.1062C>A on transcript NM_001164277.2 (MANE Select); coding-DNA position 1062, C replaced by A.
Protein change: p.Asn354Lys; replaces asparagine 354 with lysine.
Molecular consequence: missense variant.
Genome position (GRCh38, 1-based): chr11:119,025,252, G>T on the plus strand (C>A on the coding strand, the complement: SLC37A4 is on the minus strand). VCF-style: chr11-119025252-G-T. GRCh37 (hg19) VCF-style: chr11-118895962-G-T.
Other names: c.1128C>A, p.Asn376Lys (NM_001164278.2); c.843C>A, p.Asn281Lys (NM_001164279.2); c.1062C>A, p.Asn354Lys (NM_001164280.2, NM_001467.6); short protein forms N281K, N354K, N376K.
Identifiers: ClinVar variation 4705556 (VCV004705556.1).

ClinVar aggregate classification (germline): Uncertain significance (1 of 4 stars; one submission).

Conditions:
Glucose-6-phosphate transport defect (GSD1B). Also called: Glycogen Storage Disease Type Ib; GSD Ib. Identifiers: Orphanet 364, Orphanet 79259, MedGen C0268146, MONDO:0009288, OMIM 232220.

Submission:

Labcorp Genetics (formerly Invitae), Labcorp
Classification: Uncertain significance for Glucose-6-phosphate transport defect. Last evaluated: 2026-01-21. Review status: criteria provided, single submitter. Criteria: Invitae Variant Classification Sherloc (09022015). Collection method: clinical testing. Allele origin: germline.
Comment: This sequence change replaces asparagine, which is neutral and polar, with lysine, which is basic and polar, at codon 354 of the SLC37A4 protein (p.Asn354Lys). This variant is present in population databases (rs61730035, gnomAD 0.003%). This variant has not been reported in the literature in individuals affected with SLC37A4-related conditions. Invitae Evidence Modeling of protein sequence and biophysical properties (such as structural, functional, and spatial information, amino acid conservation, physicochemical variation, residue mobility, and thermodynamic stability) has been performed for this missense variant. However, the output from this modeling did not meet the statistical confidence thresholds required to predict the impact of this variant on SLC37A4 protein function. In summary, the available evidence is currently insufficient to determine the role of this variant in disease. Therefore, it has been classified as a Variant of Uncertain Significance.